The following is an entry in ClinVar:

NM_198253.3(TERT):c.2668G>A (p.Gly890Ser)

Gene: TERT (telomerase reverse transcriptase; minus strand). Cytogenetic location: 5p15.33.
Variant type: single nucleotide variant.
Coding change: c.2668G>A on transcript NM_198253.3 (MANE Select); coding-DNA position 2668, G replaced by A.
Protein change: p.Gly890Ser; replaces glycine 890 with serine.
Molecular consequence: missense variant. On other transcripts: intron variant (1).
Genome position (GRCh38, 1-based): chr5:1,264,579, C>T on the plus strand (G>A on the coding strand, the complement: TERT is on the minus strand). VCF-style: chr5-1264579-C-T. GRCh37 (hg19) VCF-style: chr5-1264694-C-T.
Other names: c.2654+1885G>A (NM_001193376.3); short protein forms G890S.
Identifiers: ClinVar variation 4865470 (VCV004865470.1).

ClinVar aggregate classification (germline): Uncertain significance (1 of 4 stars; one submission).

Conditions:
Dyskeratosis congenita. Identifiers: Orphanet 1775, MedGen C0265965, MONDO:0015780.

gnomAD v4.1: 2 of 1,613,910 alleles (0.00012%); highest among the groups gnomAD compares: Non-Finnish European, 0.00017%; no homozygotes.

Submission:

Ambry Genetics
Classification: Uncertain significance for Dyskeratosis congenita. Last evaluated: 2026-04-29. Review status: criteria provided, single submitter. Criteria: Ambry Variant Classification Scheme 2023. Collection method: clinical testing. Allele origin: germline.
Comment: The p.G890S variant (also known as c.2668G>A), located in coding exon 11 of the TERT gene, results from a G to A substitution at nucleotide position 2668. The glycine at codon 890 is replaced by serine, an amino acid with similar properties. This amino acid position is highly conserved in available vertebrate species. In addition, this alteration is predicted to be deleterious by in silico analysis. Based on the available evidence, the clinical significance of this variant remains unclear.